The following is an entry in ClinVar:

NM_014915.3(ANKRD26):c.1883C>G (p.Ser628Cys)

Gene: ANKRD26 (ankyrin repeat domain 26; minus strand). Cytogenetic location: 10p12.1.
Variant type: single nucleotide variant.
Coding change: c.1883C>G on transcript NM_014915.3 (MANE Select); coding-DNA position 1883, C replaced by G.
Protein change: p.Ser628Cys; replaces serine 628 with cysteine.
Molecular consequence: missense variant.
Genome position (GRCh38, 1-based): chr10:27,046,455, G>C on the plus strand (C>G on the coding strand, the complement: ANKRD26 is on the minus strand). VCF-style: chr10-27046455-G-C. GRCh37 (hg19) VCF-style: chr10-27335384-G-C.
Other names: c.1880C>G, p.Ser627Cys (NM_001256053.2); short protein forms S627C, S628C.
Identifiers: ClinVar variation 2971926 (VCV002971926.4), dbSNP rs777118496, ClinGen allele CA5448375.

ClinVar aggregate classification (germline): Uncertain significance. Review status: criteria provided, multiple submitters, no conflicts (2 of 4 stars). 2 submissions from 2 submitters: Uncertain significance (2). Last evaluated 2025-03-30.

Conditions:
Inborn genetic diseases. Identifiers: MedGen C0950123, MeSH D030342.

Allele frequency attached by ClinVar (database versions not stated): gnomAD exomes below 0.00001; ExAC 0.00001.
gnomAD v4.1: 2 of 1,614,098 alleles (0.00012%); highest among the groups gnomAD compares: Non-Finnish European, 0.00017%; no homozygotes.

Submissions (2):

Ambry Genetics
Classification: Uncertain significance for Inborn genetic diseases. Last evaluated: 2025-03-30. Review status: criteria provided, single submitter. Criteria: Ambry Variant Classification Scheme 2023. Collection method: clinical testing. Allele origin: germline.
Comment: The p.S628C variant (also known as c.1883C>G), located in coding exon 18 of the ANKRD26 gene, results from a C to G substitution at nucleotide position 1883. The serine at codon 628 is replaced by cysteine, an amino acid with dissimilar properties. This amino acid position is conserved. In addition, this alteration is predicted to be tolerated by in silico analysis. Based on the available evidence, the clinical significance of this variant remains unclear.

Labcorp Genetics (formerly Invitae), Labcorp
Classification: Uncertain significance. Last evaluated: 2023-10-13. Review status: criteria provided, single submitter. Criteria: Invitae Variant Classification Sherloc (09022015). Collection method: clinical testing. Allele origin: germline.
Comment: This sequence change replaces serine, which is neutral and polar, with cysteine, which is neutral and slightly polar, at codon 628 of the ANKRD26 protein (p.Ser628Cys). This variant is present in population databases (rs777118496, gnomAD 0.0009%). This variant has not been reported in the literature in individuals affected with ANKRD26-related conditions. Algorithms developed to predict the effect of missense changes on protein structure and function output the following: SIFT: "Not Available"; PolyPhen-2: "Possibly Damaging"; Align-GVGD: "Not Available". The cysteine amino acid residue is found in multiple mammalian species, which suggests that this missense change does not adversely affect protein function. In summary, the available evidence is currently insufficient to determine the role of this variant in disease. Therefore, it has been classified as a Variant of Uncertain Significance.